The following is an entry in ClinVar:

NM_004415.4(DSP):c.3573G>T (p.Glu1191Asp)

Gene: DSP (desmoplakin; plus strand). Cytogenetic location: 6p24.3.
Variant type: single nucleotide variant.
Coding change: c.3573G>T on transcript NM_004415.4 (MANE Select); coding-DNA position 3573, G replaced by T.
Protein change: p.Glu1191Asp; replaces glutamic acid 1191 with aspartic acid.
Molecular consequence: missense variant.
Genome position (GRCh38, 1-based): chr6:7,579,763, G>T. VCF-style: chr6-7579763-G-T. GRCh37 (hg19) VCF-style: chr6-7579996-G-T.
Other names: c.3573G>T, p.Glu1191Asp (NM_001008844.3, NM_001319034.2); short protein forms E1191D.
Identifiers: ClinVar variation 948741 (VCV000948741.10), dbSNP rs750659892, ClinGen allele CA362684370.

ClinVar aggregate classification (germline): Uncertain significance (1 of 4 stars; one submission).

Conditions:
Arrhythmogenic cardiomyopathy with wooly hair and keratoderma. Also called: Arrhythmogenic cardiomyopathy with woolly hair and keratoderma; PALMOPLANTAR KERATODERMA WITH LEFT VENTRICULAR CARDIOMYOPATHY AND WOOLLY HAIR; Dilated cardiomyopathy with woolly hair and keratoderma; Carvajal syndrome. Identifiers: Orphanet 65282, MedGen C1854063, MONDO:0011581, OMIM 605676.
Arrhythmogenic right ventricular dysplasia 8 (ARVD8). Also called: Arrhythmogenic Right Ventricular Dysplasia/Cardiomyopathy 8; ARRHYTHMOGENIC RIGHT VENTRICULAR DYSPLASIA, FAMILIAL, 8; ARRHYTHMOGENIC RIGHT VENTRICULAR CARDIOMYOPATHY 8. Identifiers: MedGen C1843896, MONDO:0011831, OMIM 607450.

Submission:

Labcorp Genetics (formerly Invitae), Labcorp
Classification: Uncertain significance for Arrhythmogenic cardiomyopathy with wooly hair and keratoderma; Arrhythmogenic right ventricular dysplasia 8. Last evaluated: 2025-12-24. Review status: criteria provided, single submitter. Criteria: Invitae Variant Classification Sherloc (09022015). Collection method: clinical testing. Allele origin: germline.
Comment: This sequence change replaces glutamic acid, which is acidic and polar, with aspartic acid, which is acidic and polar, at codon 1191 of the DSP protein (p.Glu1191Asp). This variant is not present in population databases (gnomAD no frequency). This variant has not been reported in the literature in individuals affected with DSP-related conditions. ClinVar contains an entry for this variant (Variation ID: 948741). An algorithm developed to predict the effect of missense changes on protein structure and function (PolyPhen-2) suggests that this variant is likely to be disruptive. In summary, the available evidence is currently insufficient to determine the role of this variant in disease. Therefore, it has been classified as a Variant of Uncertain Significance.